The following is an entry in ClinVar:

ClinVar aggregate classification (germline): Likely benign (1 of 4 stars; one submission).

gnomAD v4.1: 15 of 1,561,662 alleles (0.00096%); highest among the groups gnomAD compares: Admixed American, 0.021%; no homozygotes.

Submission:

CeGaT Center for Human Genetics Tuebingen
Classification: Likely benign. Last evaluated: 2026-07-01. Review status: criteria provided, single submitter. Criteria: CeGaT Center For Human Genetics Tuebingen Variant Classification Criteria Version 2. Collection method: clinical testing. Allele origin: germline. Affected: yes. Observed: 1 variant allele.
Comment: KCNN3: BP4, BP7

NM_002249.6(KCNN3):c.138G>T (p.Ala46=)

Gene: KCNN3 (potassium calcium-activated channel subfamily N member 3; minus strand). Cytogenetic location: 1q21.3.
Variant type: single nucleotide variant.
Coding change: c.138G>T on transcript NM_002249.6 (MANE Select); coding-DNA position 138, G replaced by T.
Protein change: p.Ala46=; no amino-acid change (alanine 46 retained).
Molecular consequence: synonymous variant.
Genome position (GRCh38, 1-based): chr1:154,869,827, C>A on the plus strand (G>T on the coding strand, the complement: KCNN3 is on the minus strand). VCF-style: chr1-154869827-C-A. GRCh37 (hg19) VCF-style: chr1-154842303-C-A.
Other names: c.138G>T, p.Ala46= (NM_001204087.2).
Identifiers: ClinVar variation 5038912 (VCV005038912.1).
Genomic context (GRCh38, chr1:154,869,827, plus strand): 5'-AAGCTGCGGAGGCTGAGGCTGCAGCGAGGGTCCCAGGGGCTGCTGGGGGGCTGCTGGTGG[C>A]GCTGGCGGTGGTGGCTGCTGCTGCTGTTGCTGCTGCTGCTGCTGCTGCTGCTCATCCCCA-3'
Protein context (NP_002240.3, residues 36-56): QQQQQQPPPP[Ala46=]PPAAPQQPLG